The following is an entry in ClinVar:

ClinVar aggregate classification (germline): Benign. Review status: criteria provided, multiple submitters, no conflicts (2 of 4 stars). 3 submissions from 3 submitters: Benign (2). 1 of the submissions does not count toward it. Last evaluated 2026-02-02.

Conditions:
SLC6A5-related disorder. Also called: SLC6A5-related condition.
Hyperekplexia 3 (HKPX3). Also called: HYPEREKPLEXIA 3, AUTOSOMAL RECESSIVE; HYPEREKPLEXIA 3, AUTOSOMAL DOMINANT. Identifiers: Orphanet 3197, MedGen C3553288, MONDO:0013827, OMIM 614618.

Allele frequency attached by ClinVar (database versions not stated): ExAC 0.00584; 1000 Genomes Project 0.01917; TOPMed 0.01992; 1000 Genomes Project 30x 0.02124; ESP Exome Variant Server 0.02161.
gnomAD v4.1: 5,308 of 1,614,088 alleles (0.33%); highest among the groups gnomAD compares: African/African-American, 6.3%; 188 homozygotes.

Submissions (3):

Labcorp Genetics (formerly Invitae), Labcorp
Classification: Benign for Hyperekplexia 3. Last evaluated: 2026-02-02. Review status: criteria provided, single submitter. Criteria: Invitae Variant Classification Sherloc (09022015). Collection method: clinical testing. Allele origin: germline.

Breakthrough Genomics
Classification: Benign. Review status: criteria provided, single submitter. Criteria: ACMG Guidelines, 2015. Collection method: not provided. Allele origin: germline. Inheritance: Autosomal dominant inheritance. Affected: yes.

PreventionGenetics, part of Exact Sciences
Classification: Benign for SLC6A5-related condition. Last evaluated: 2024-06-13. Review status: no assertion criteria provided. Collection method: clinical testing. Allele origin: germline. Not counted in ClinVar's aggregate classification.
Comment: This variant is classified as benign based on ACMG/AMP sequence variant interpretation guidelines (Richards et al. 2015 PMID: 25741868, with internal and published modifications).

NM_004211.5(SLC6A5):c.395C>G (p.Ala132Gly)

Gene: SLC6A5 (solute carrier family 6 member 5; plus strand). Cytogenetic location: 11p15.1.
Variant type: single nucleotide variant.
Coding change: c.395C>G on transcript NM_004211.5 (MANE Select); coding-DNA position 395, C replaced by G.
Protein change: p.Ala132Gly; replaces alanine 132 with glycine.
Molecular consequence: missense variant. On other transcripts: 5 prime UTR variant (1).
Genome position (GRCh38, 1-based): chr11:20,601,520, C>G. VCF-style: chr11-20601520-C-G. GRCh37 (hg19) VCF-style: chr11-20623066-C-G.
Other names: c.-169C>G (NM_001318369.2); c.395C>G (NM_004211.4); short protein forms A132G.
Identifiers: ClinVar variation 304009 (VCV000304009.16), dbSNP rs34243519, ClinGen allele CA5921072.